The following is an entry in ClinVar:

ClinVar aggregate classification (germline): Uncertain significance. Review status: criteria provided, multiple submitters, no conflicts (2 of 4 stars). 4 submissions from 4 submitters: Uncertain significance (4). Last evaluated 2026-02-10.

Conditions:
PIK3CG-related disorder. Also called: PIK3CG-related condition.
Inborn genetic diseases. Identifiers: MedGen C0950123, MeSH D030342.
Cystic fibrosis (CF). Also called: MUCOVISCIDOSIS. Identifiers: Orphanet 586, MedGen C0010674, MONDO:0009061, OMIM 219700. Disease mechanism: loss of function.

Allele frequency attached by ClinVar (database versions not stated): gnomAD 0.00001; ExAC 0.00004; gnomAD exomes 0.00004; TOPMed 0.00004.

Submissions (4):

PreventionGenetics, part of Exact Sciences
Classification: Uncertain significance for PIK3CG-related condition. Last evaluated: 2026-02-10. Review status: criteria provided, single submitter. Criteria: ACMG Guidelines, 2015. Collection method: clinical testing. Allele origin: germline.
Comment: The PIK3CG c.2496T>G variant is predicted to result in the amino acid substitution p.Phe832Leu. To our knowledge, this variant has not been reported in the literature. This variant is reported in 0.0088% of alleles in individuals of European (Non-Finnish) descent in gnomAD. At this time, the clinical significance of this variant is uncertain due to the absence of conclusive functional and genetic evidence.

Ambry Genetics
Classification: Uncertain significance for Inborn genetic diseases. Last evaluated: 2025-08-30. Review status: criteria provided, single submitter. Criteria: Ambry Variant Classification Scheme 2023. Collection method: clinical testing. Allele origin: germline.

Centre of Medical Genetics, University Hospital Muenster
Classification: Uncertain significance for Cystic fibrosis. Last evaluated: 2022-11-25. Review status: criteria provided, single submitter. Criteria: ACMG Guidelines, 2015. Collection method: clinical testing. Allele origin: unknown. Affected: yes. Observed: 1 variant allele, 1 heterozygote.
Comment: ACMG categories: PM1,PM2,PP3

CeGaT Center for Human Genetics Tuebingen
Classification: Uncertain significance. Last evaluated: 2022-09-01. Review status: criteria provided, single submitter. Criteria: CeGaT Center For Human Genetics Tuebingen Variant Classification Criteria Version 2. Collection method: clinical testing. Allele origin: germline. Affected: yes. Observed: 1 variant allele.

NM_001282426.2(PIK3CG):c.2496T>G (p.Phe832Leu)

Gene: PIK3CG (phosphatidylinositol-4,5-bisphosphate 3-kinase catalytic subunit gamma; plus strand). Cytogenetic location: 7q22.3.
Variant type: single nucleotide variant.
Coding change: c.2496T>G on transcript NM_001282426.2 (MANE Select); coding-DNA position 2496, T replaced by G.
Protein change: p.Phe832Leu; replaces phenylalanine 832 with leucine.
Molecular consequence: missense variant.
Genome position (GRCh38, 1-based): chr7:106,879,623, T>G. VCF-style: chr7-106879623-T-G. GRCh37 (hg19) VCF-style: chr7-106520068-T-G.
Other names: c.2496T>G (NM_002649.2, NM_001282427.1); c.2496T>G, p.Phe832Leu (NM_001282427.2, NM_002649.3); short protein forms F832L.
Identifiers: ClinVar variation 2430331 (VCV002430331.30), dbSNP rs771090910, ClinGen allele CA4429601.